The following is an entry in ClinVar:

ClinVar aggregate classification (germline): Uncertain significance (0 of 4 stars; one submission).

gnomAD v4.1: 1 of 1,548,662 alleles (0.000065%); highest among the groups gnomAD compares: Non-Finnish European, 0.000087%; no homozygotes.

Submission:

Department of Pathology and Laboratory Medicine, Sinai Health System
Classification: Uncertain significance. Review status: no assertion criteria provided. Collection method: clinical testing. Allele origin: unknown. Affected: yes. Study: The Canadian Open Genetics Repository (COGR).
Comment: The TFR2 p.Glu529Gln variant was not identified in the literature nor was it identified in dbSNP, ClinVar, LOVD 3.0 or in the following control databases: the 1000 Genomes Project, the NHLBI GO Exome Sequencing Project, or the Genome Aggregation Database (March 6, 2019, v2.1.1). The p.Glu529 residue is conserved in mammals and computational analyses (PolyPhen-2, SIFT, AlignGVGD, BLOSUM, MutationTaster) provide inconsistent predictions regarding the impact to the protein; this information is not very predictive of pathogenicity. The variant occurs outside of the splicing consensus sequence and in silico or computational prediction software programs (SpliceSiteFinder, MaxEntScan, NNSPLICE, GeneSplicer) do not predict a difference in splicing. In summary, based on the above information the clinical significance of this variant cannot be determined with certainty at this time. This variant is classified as a variant of uncertain significance.

NM_003227.4(TFR2):c.2098G>C (p.Glu700Gln)

Genes: TFR2 (transferrin receptor 2; minus strand), LOC113687175 (Sharpr-MPRA regulatory region 4647; plus strand). Cytogenetic location: 7q22.1.
Variant type: single nucleotide variant.
Coding change: c.2098G>C on transcript NM_003227.4 (MANE Select); coding-DNA position 2098, G replaced by C.
Protein change: p.Glu700Gln; replaces glutamic acid 700 with glutamine.
Molecular consequence: missense variant.
Genome position (GRCh38, 1-based): chr7:100,626,801, C>G on the plus strand (G>C on the coding strand, the complement: TFR2 is on the minus strand). VCF-style: chr7-100626801-C-G. GRCh37 (hg19) VCF-style: chr7-100224424-C-G.
Other names: c.1585G>C, p.Glu529Gln (NM_001206855.3); short protein forms E529Q, E700Q.
Identifiers: ClinVar variation 1049318 (VCV001049318.1), dbSNP rs747870790, ClinGen allele CA368522741.